The following is an entry in ClinVar:

NM_001257096.2(PAX1):c.760T>C (p.Tyr254His)

Gene: PAX1 (paired box 1; plus strand). Cytogenetic location: 20p11.22.
Variant type: single nucleotide variant.
Coding change: c.760T>C on transcript NM_001257096.2 (MANE Select); coding-DNA position 760, T replaced by C.
Protein change: p.Tyr254His; replaces tyrosine 254 with histidine.
Molecular consequence: missense variant.
Genome position (GRCh38, 1-based): chr20:21,706,911, T>C. VCF-style: chr20-21706911-T-C. GRCh37 (hg19) VCF-style: chr20-21687549-T-C.
Other names: c.760T>C, p.Tyr254His (NM_006192.5); short protein forms Y254H.
Identifiers: ClinVar variation 1489783 (VCV001489783.6), dbSNP rs2122134285, ClinGen allele CA408498663.

ClinVar aggregate classification (germline): Uncertain significance (1 of 4 stars; one submission).

Submission:

Labcorp Genetics (formerly Invitae), Labcorp
Classification: Uncertain significance. Last evaluated: 2022-01-17. Review status: criteria provided, single submitter. Criteria: Invitae Variant Classification Sherloc (09022015). Collection method: clinical testing. Allele origin: germline.
Comment: In summary, the available evidence is currently insufficient to determine the role of this variant in disease. Therefore, it has been classified as a Variant of Uncertain Significance. Algorithms developed to predict the effect of missense changes on protein structure and function are either unavailable or do not agree on the potential impact of this missense change (SIFT: "Tolerated"; PolyPhen-2: "Probably Damaging"; Align-GVGD: "Class C0"). This variant has not been reported in the literature in individuals affected with PAX1-related conditions. This variant is not present in population databases (gnomAD no frequency). This sequence change replaces tyrosine, which is neutral and polar, with histidine, which is basic and polar, at codon 254 of the PAX1 protein (p.Tyr254His).